The following is an entry in ClinVar:

ClinVar aggregate classification (germline): Uncertain significance. Review status: criteria provided, multiple submitters, no conflicts (2 of 4 stars). 2 submissions from 2 submitters: Uncertain significance (2). Last evaluated 2024-01-18.

Conditions:
Dilated cardiomyopathy 1G (CMD1G). Identifiers: Orphanet 154, MedGen C1858763, MONDO:0011400, OMIM 604145.
Autosomal recessive limb-girdle muscular dystrophy type 2J (LGMDR10). Also called: MUSCULAR DYSTROPHY, LIMB-GIRDLE, AUTOSOMAL RECESSIVE 10; Limb-girdle muscular dystrophy, type 2J. Identifiers: Orphanet 140922, MedGen C1837342, MONDO:0012127, OMIM 608807.

Allele frequency attached by ClinVar (database versions not stated): gnomAD 0.00001; gnomAD exomes 0.00001; TOPMed 0.00002.
gnomAD v4.1: 20 of 1,613,990 alleles (0.0012%); highest among the groups gnomAD compares: Non-Finnish European, 0.0016%; no homozygotes.

Submissions (2):

GeneDx
Classification: Uncertain significance. Last evaluated: 2024-01-18. Review status: criteria provided, single submitter. Criteria: GeneDx Variant Classification Process June 2021. Collection method: clinical testing. Allele origin: germline. Affected: yes.
Comment: Not observed at significant frequency in large population cohorts (gnomAD); Missense variant in a gene in which most reported pathogenic variants are truncating/loss of function; Has not been previously published as pathogenic or benign to our knowledge

Labcorp Genetics (formerly Invitae), Labcorp
Classification: Uncertain significance for Dilated cardiomyopathy 1G; Autosomal recessive limb-girdle muscular dystrophy type 2J. Last evaluated: 2017-03-28. Review status: criteria provided, single submitter. Criteria: Invitae Variant Classification Sherloc (09022015). Collection method: clinical testing. Allele origin: germline.

NM_001267550.2(TTN):c.5683C>T (p.His1895Tyr)

Gene: TTN (titin; minus strand). Cytogenetic location: 2q31.2.
Variant type: single nucleotide variant.
Coding change: c.5683C>T on transcript NM_001267550.2 (MANE Select); coding-DNA position 5683, C replaced by T.
Protein change: p.His1895Tyr; replaces histidine 1895 with tyrosine.
Molecular consequence: missense variant.
Genome position (GRCh38, 1-based): chr2:178,776,181, G>A on the plus strand (C>T on the coding strand, the complement: TTN is on the minus strand). VCF-style: chr2-178776181-G-A. GRCh37 (hg19) VCF-style: chr2-179640908-G-A.
Other names: p.H1895Y:CAT>TAT; c.5683C>T, p.His1895Tyr (NM_001256850.1, NM_133378.4, NM_133379.5); c.5545C>T, p.His1849Tyr (NM_003319.4, NM_133432.3, NM_133437.4); c.5683C>T (NM_001267550.1); short protein forms H1895Y, H1849Y.
Identifiers: ClinVar variation 203137 (VCV000203137.5), dbSNP rs794729577, ClinGen allele CA311389.